The following is an entry in ClinVar:

NM_001365.5(DLG4):c.119A>T (p.Asp40Val)

Genes: ACADVL (acyl-CoA dehydrogenase very long chain; plus strand), DLG4 (discs large MAGUK scaffold protein 4; minus strand). Cytogenetic location: 17p13.1.
Variant type: single nucleotide variant.
Coding change: c.119A>T on transcript NM_001365.5 (MANE Plus Clinical); coding-DNA position 119, A replaced by T.
Protein change: p.Asp40Val; replaces aspartic acid 40 with valine.
Molecular consequence: missense variant. On other transcripts: non-coding transcript variant (1), intron variant (1).
Genome position (GRCh38, 1-based): chr17:7,218,281, T>A on the plus strand (A>T on the coding strand, the complement: DLG4 is on the minus strand). VCF-style: chr17-7218281-T-A. GRCh37 (hg19) VCF-style: chr17-7121600-T-A.
Other names: c.119A>T, p.Asp40Val (NM_001321074.1); c.131+463T>A (NM_001270447.2); short protein forms D40V.
Identifiers: ClinVar variation 2577802 (VCV002577802.1), dbSNP rs2142949377, ClinGen allele CA397721624.
Genomic context (GRCh38, chr17:7,218,281, plus strand): 5'-GCTCGCCCCCACCTCCTTACCTGACTCTCTGAGAGGGAAGCCTCATAATAGTCCAGGATG[T>A]CTGTCACAGGAACAGAACTGAGTTACCTCCCCACCCCAGGCCTCTCCAGGCACATCACCC-3'
Protein context (NP_001356.1, residues 30-50): LHSDLFQALL[Asp40Val]ILDYYEASLS

ClinVar aggregate classification (germline): Uncertain significance (1 of 4 stars; one submission).

Submission:

GeneDx
Classification: Uncertain significance. Last evaluated: 2023-02-27. Review status: criteria provided, single submitter. Criteria: GeneDx Variant Classification Process June 2021. Collection method: clinical testing. Allele origin: germline. Affected: yes.
Comment: Not observed at significant frequency in large population cohorts (gnomAD); In silico analysis is inconclusive as to whether the variant alters gene splicing. In the absence of RNA/functional studies, the actual effect of this sequence change is unknown.; In silico analysis supports that this missense variant does not alter protein structure/function; Has not been previously published as pathogenic or benign to our knowledge